The following is an entry in ClinVar:

ClinVar aggregate classification (germline): Uncertain significance (1 of 4 stars; one submission).

Allele frequency attached by ClinVar (database versions not stated): gnomAD exomes 0.00002; ExAC 0.00003; TOPMed 0.00003; gnomAD 0.00004; ESP Exome Variant Server 0.00015.
gnomAD v4.1: 32 of 1,613,526 alleles (0.002%); highest among the groups gnomAD compares: Non-Finnish European, 0.0025%; no homozygotes.

Submission:

CeGaT Center for Human Genetics Tuebingen
Classification: Uncertain significance. Last evaluated: 2023-05-01. Review status: criteria provided, single submitter. Criteria: CeGaT Center For Human Genetics Tuebingen Variant Classification Criteria Version 2. Collection method: clinical testing. Allele origin: germline. Affected: yes. Observed: 1 variant allele.
Comment: KDM4B: PP2

NM_015015.3(KDM4B):c.791A>T (p.Glu264Val)

Gene: KDM4B (lysine demethylase 4B; plus strand). Cytogenetic location: 19p13.3.
Variant type: single nucleotide variant.
Coding change: c.791A>T on transcript NM_015015.3 (MANE Select); coding-DNA position 791, A replaced by T.
Protein change: p.Glu264Val; replaces glutamic acid 264 with valine.
Molecular consequence: missense variant.
Genome position (GRCh38, 1-based): chr19:5,082,377, A>T. VCF-style: chr19-5082377-A-T. GRCh37 (hg19) VCF-style: chr19-5082388-A-T.
Other names: c.791A>T, p.Glu264Val (NM_001370093.1, NM_001370094.1, NM_001411148.1); short protein forms E264V.
Identifiers: ClinVar variation 2649088 (VCV002649088.24), dbSNP rs138157752, ClinGen allele CA9107488.